The following is an entry in ClinVar:

NM_001277115.2(DNAH11):c.11266C>T (p.Arg3756Cys)

Gene: DNAH11 (dynein axonemal heavy chain 11; plus strand). Cytogenetic location: 7p15.3.
Variant type: single nucleotide variant.
Coding change: c.11266C>T on transcript NM_001277115.2 (MANE Select); coding-DNA position 11266, C replaced by T.
Protein change: p.Arg3756Cys; replaces arginine 3756 with cysteine.
Molecular consequence: missense variant.
Genome position (GRCh38, 1-based): chr7:21,861,916, C>T. VCF-style: chr7-21861916-C-T. GRCh37 (hg19) VCF-style: chr7-21901534-C-T.
Other names: c.11266C>T (NM_001277115.1); short protein forms R3756C.
Identifiers: ClinVar variation 1420005 (VCV001420005.10), dbSNP rs766141716, ClinGen allele CA4182684.

ClinVar aggregate classification (germline): Conflicting classifications of pathogenicity. Review status: criteria provided, conflicting classifications (1 of 4 stars). 3 submissions from 3 submitters: Uncertain significance (2); Likely benign (1). Last evaluated 2025-04-21.

Conditions:
Primary ciliary dyskinesia. Also called: Ciliary dyskinesia. Identifiers: Orphanet 244, MedGen C0008780, MONDO:0016575, HP:0012265.
Primary ciliary dyskinesia 7. Also called: CILIARY DYSKINESIA, PRIMARY, 7, WITH OR WITHOUT SITUS INVERSUS. Identifiers: Orphanet 244, MedGen C2678473, MONDO:0012748, OMIM 611884.

Allele frequency attached by ClinVar (database versions not stated): gnomAD exomes 0.00001; gnomAD 0.00004; TOPMed 0.00005.
gnomAD v4.1: 25 of 1,613,328 alleles (0.0015%); highest among the groups gnomAD compares: Middle Eastern, 0.033%; no homozygotes.

Submissions (3):

Labcorp Genetics (formerly Invitae), Labcorp
Classification: Likely benign for Primary ciliary dyskinesia. Last evaluated: 2025-04-21. Review status: criteria provided, single submitter. Criteria: Invitae Variant Classification Sherloc (09022015). Collection method: clinical testing. Allele origin: germline.

GeneDx
Classification: Uncertain significance. Last evaluated: 2022-10-03. Review status: criteria provided, single submitter. Criteria: GeneDx Variant Classification Process June 2021. Collection method: clinical testing. Allele origin: germline. Affected: yes.
Comment: In silico analysis supports that this missense variant has a deleterious effect on protein structure/function; Has not been previously published as pathogenic or benign to our knowledge

Revvity Omics, Revvity
Classification: Uncertain significance for Primary ciliary dyskinesia 7. Last evaluated: 2020-03-16. Review status: criteria provided, single submitter. Criteria: ACMG Guidelines, 2015. Collection method: clinical testing. Allele origin: germline.